The following is an entry in ClinVar:

NM_001004334.4(GPR179):c.4736G>A (p.Arg1579Lys)

Gene: GPR179 (G protein-coupled receptor 179; minus strand). Cytogenetic location: 17q12.
Variant type: single nucleotide variant.
Coding change: c.4736G>A on transcript NM_001004334.4 (MANE Select); coding-DNA position 4736, G replaced by A.
Protein change: p.Arg1579Lys; replaces arginine 1579 with lysine.
Molecular consequence: missense variant.
Genome position (GRCh38, 1-based): chr17:38,328,833, C>T on the plus strand (G>A on the coding strand, the complement: GPR179 is on the minus strand). VCF-style: chr17-38328833-C-T. GRCh37 (hg19) VCF-style: chr17-36484716-C-T.
Other names: short protein forms R1579K.
Identifiers: ClinVar variation 1919842 (VCV001919842.3), dbSNP rs751926671, ClinGen allele CA290103942.

ClinVar aggregate classification (germline): Uncertain significance (1 of 4 stars; one submission).

Allele frequency attached by ClinVar (database versions not stated): ExAC 0.00001; gnomAD 0.00001; gnomAD exomes 0.00002; TOPMed 0.00002.
gnomAD v4.1: 35 of 1,613,910 alleles (0.0022%); highest among the groups gnomAD compares: Non-Finnish European, 0.0028%; no homozygotes.

Submission:

Labcorp Genetics (formerly Invitae), Labcorp
Classification: Uncertain significance. Last evaluated: 2022-09-02. Review status: criteria provided, single submitter. Criteria: Invitae Variant Classification Sherloc (09022015). Collection method: clinical testing. Allele origin: germline.
Comment: In summary, the available evidence is currently insufficient to determine the role of this variant in disease. Therefore, it has been classified as a Variant of Uncertain Significance. Algorithms developed to predict the effect of missense changes on protein structure and function output the following: SIFT: "Tolerated"; PolyPhen-2: "Benign"; Align-GVGD: "Class C0". The lysine amino acid residue is found in multiple mammalian species, which suggests that this missense change does not adversely affect protein function. This variant has not been reported in the literature in individuals affected with GPR179-related conditions. This variant is present in population databases (rs751926671, gnomAD 0.004%). This sequence change replaces arginine, which is basic and polar, with lysine, which is basic and polar, at codon 1579 of the GPR179 protein (p.Arg1579Lys).